The following is an entry in ClinVar:

NM_001374353.1(GLI2):c.546C>T (p.Leu182=)

Gene: GLI2 (GLI family zinc finger 2; plus strand). Cytogenetic location: 2q14.2.
Variant type: single nucleotide variant.
Coding change: c.546C>T on transcript NM_001374353.1 (MANE Select); coding-DNA position 546, C replaced by T.
Protein change: p.Leu182=; no amino-acid change (leucine 182 retained).
Molecular consequence: synonymous variant.
Genome position (GRCh38, 1-based): chr2:120,955,333, C>T. VCF-style: chr2-120955333-C-T. GRCh37 (hg19) VCF-style: chr2-121712909-C-T.
Other names: c.546C>T, p.Leu182= (NM_001371271.1, NM_005270.5); c.171C>T, p.Leu57= (NM_001374354.1).
Identifiers: ClinVar variation 705812 (VCV000705812.12), dbSNP rs200028917, ClinGen allele CA1851565.
Genomic context (GRCh38, chr2:120,955,333, plus strand): 5'-ACTGTTTGGCCTTCCTGCTCCAGGCACCACCCCCTCAGACTATTACCACCAGATGACCCT[C>T]GTGGCAGGCCACCCCGCGCCCTACGGGGACCTGCTGATGCAGAGCGGGGGCGCTGCCAGC-3'
Protein context (NP_001361282.1, residues 172-192): TPSDYYHQMT[Leu182=]VAGHPAPYGD

ClinVar aggregate classification (germline): Benign/Likely benign. Review status: criteria provided, multiple submitters, no conflicts (2 of 4 stars). 3 submissions from 3 submitters: Benign (1); Likely benign (1). 1 of the submissions does not count toward it. Last evaluated 2025-10-26.

Conditions:
GLI2-related disorder. Also called: GLI2-related disorders; GLI2-related condition.
Postaxial polydactyly-anterior pituitary anomalies-facial dysmorphism syndrome. Also called: Culler-Jones syndrome. Identifiers: Orphanet 420584, MedGen C4014479, MONDO:0014369, OMIM 615849.
Holoprosencephaly 9 (HPE9). Also called: HOLOPROSENCEPHALY WITH MICROPHTHALMIA AND FIRST BRANCHIAL ARCH ANOMALIES; PITUITARY ANOMALIES WITH HOLOPROSENCEPHALY-LIKE FEATURES. Identifiers: Orphanet 2162, MedGen C1835819, MONDO:0012563, OMIM 610829.

Allele frequency attached by ClinVar (database versions not stated): gnomAD 0.00004 and 0.00005; gnomAD exomes 0.00005 and 0.00015; TOPMed 0.00008; 1000 Genomes Project 30x 0.00016; ExAC 0.00017; 1000 Genomes Project 0.00020.
gnomAD v4.1: 101 of 1,612,534 alleles (0.0063%); highest among the groups gnomAD compares: East Asian, 0.14%; 1 homozygote.

Submissions (3):

Labcorp Genetics (formerly Invitae), Labcorp
Classification: Benign for Postaxial polydactyly-anterior pituitary anomalies-facial dysmorphism syndrome; Holoprosencephaly 9. Last evaluated: 2025-10-26. Review status: criteria provided, single submitter. Criteria: Invitae Variant Classification Sherloc (09022015). Collection method: clinical testing. Allele origin: germline.

Blueprint Genetics
Classification: Likely benign. Last evaluated: 2024-07-02. Review status: criteria provided, single submitter. Criteria: ACMG Guidelines, 2015. Collection method: clinical testing. Allele origin: germline.

PreventionGenetics, part of Exact Sciences
Classification: Likely benign for GLI2-related condition. Last evaluated: 2019-09-10. Review status: no assertion criteria provided. Collection method: clinical testing. Allele origin: germline. Not counted in ClinVar's aggregate classification.
Comment: This variant is classified as likely benign based on ACMG/AMP sequence variant interpretation guidelines (Richards et al. 2015 PMID: 25741868, with internal and published modifications).